The following is an entry in ClinVar:

NM_001368894.2(PAX6):c.188C>T (p.Ser63Phe)

Gene: PAX6 (paired box 6; minus strand). Cytogenetic location: 11p13.
Variant type: single nucleotide variant.
Coding change: c.188C>T on transcript NM_001368894.2 (MANE Select); coding-DNA position 188, C replaced by T.
Protein change: p.Ser63Phe; replaces serine 63 with phenylalanine.
Molecular consequence: missense variant. On other transcripts: 5 prime UTR variant (14), non-coding transcript variant (2).
Genome position (GRCh38, 1-based): chr11:31,801,772, G>A on the plus strand (C>T on the coding strand, the complement: PAX6 is on the minus strand). VCF-style: chr11-31801772-G-A. GRCh37 (hg19) VCF-style: chr11-31823320-G-A.
Other names: c.-594C>T (NM_001368905.2, NM_001368902.2, NM_001310160.2); c.-263C>T (NM_001368906.2, NM_001368907.2, NM_001368908.2 and 8 more transcripts); c.389C>T, p.Ser130Phe (NM_001368910.2); c.191C>T, p.Ser64Phe (NM_001368911.2); c.188C>T, p.Ser63Phe (NM_001368912.2, NM_001368913.2, NM_001368914.2 and 13 more transcripts); c.146C>T, p.Ser49Phe (NM_001368915.2, NM_001368916.2, NM_001368917.2 and 11 more transcripts); c.263C>T, p.Ser88Phe (NM_001368918.2, NM_001368919.2); c.221C>T, p.Ser74Phe (NM_001368920.2); short protein forms S130F, S49F, S63F, S64F, S74F, S88F.
Identifiers: ClinVar variation 4083368 (VCV004083368.1).

ClinVar aggregate classification (germline): Likely pathogenic (1 of 4 stars; one submission).

Submission:

GeneDx
Classification: Likely pathogenic. Last evaluated: 2025-02-28. Review status: criteria provided, single submitter. Criteria: GeneDx Variant Classification Process June 2021. Collection method: clinical testing. Allele origin: germline. Affected: yes.
Comment: Not observed at significant frequency in large population cohorts (gnomAD); In silico analysis supports that this missense variant has a deleterious effect on protein structure/function; This variant is associated with the following publications: (PMID: 25525159, 16712695, Poloschek2005[Abstract], 39212610)